The following is an entry in ClinVar:

NM_181784.3(SPRED2):c.753_754del (p.Val252fs)

Gene: SPRED2 (sprouty related EVH1 domain containing 2; minus strand). Cytogenetic location: 2p14.
Variant type: Deletion.
Coding change: c.753_754del on transcript NM_181784.3 (MANE Select); coding-DNA positions 753 to 754, 2 bases deleted (CG; older notation c.753_754delCG).
Protein change: p.Val252fs; shifts the reading frame from valine 252.
Molecular consequence: frameshift variant.
Genome position (GRCh38, 1-based): chr2:65,314,004-65,314,005, CG deleted on the plus strand (CG on the coding strand, the reverse complement: SPRED2 is on the minus strand). VCF-style (leftmost placement, unchanged base first): chr2-65314003-ACG-A. GRCh37 (hg19) VCF-style: chr2-65541137-ACG-A.
Other names: c.744_745del, p.Val249fs (NM_001128210.2); short protein forms V249fs, V252fs.
Identifiers: ClinVar variation 4886536 (VCV004886536.2).

ClinVar aggregate classification (germline): Likely pathogenic (1 of 4 stars; one submission).

Submission:

Dasa
Classification: Likely pathogenic. Last evaluated: 2025-03-09. Review status: criteria provided, single submitter. Criteria: DASA Assertion Criteria. Collection method: clinical testing. Allele origin: germline.
Comment: NM_181784.3(SPRED2):c.753_754del (p.Val252Alafs*11) is a frameshift variant in SPRED2 predicted to alter the reading frame and introduce a premature termination codon and is predicted to result in an absent or altered protein product. Loss of function is an established disease mechanism for SPRED2-associated disorders. Also, this variant is absent from population databases. Based on the currently available evidence, this variant is classified as likely pathogenic.